The following is an entry in ClinVar:

NM_018206.6(VPS35):c.1480T>A (p.Phe494Ile)

Gene: VPS35 (VPS35 retromer complex component; minus strand). Cytogenetic location: 16q11.2.
Variant type: single nucleotide variant.
Coding change: c.1480T>A on transcript NM_018206.6 (MANE Select); coding-DNA position 1480, T replaced by A.
Protein change: p.Phe494Ile; replaces phenylalanine 494 with isoleucine.
Molecular consequence: missense variant.
Genome position (GRCh38, 1-based): chr16:46,671,749, A>T on the plus strand (T>A on the coding strand, the complement: VPS35 is on the minus strand). VCF-style: chr16-46671749-A-T. GRCh37 (hg19) VCF-style: chr16-46705661-A-T.
Other names: short protein forms F494I.
Identifiers: ClinVar variation 838576 (VCV000838576.9), dbSNP rs141253289, ClinGen allele CA8036795.

ClinVar aggregate classification (germline): Uncertain significance (1 of 4 stars; one submission).

Conditions:
Parkinson disease 17 (PARK17). Also called: VPS35-Related Parkinson Disease. Identifiers: Orphanet 411602, MedGen C3280133, MONDO:0013625, OMIM 614203.

Allele frequency attached by ClinVar (database versions not stated): ExAC 0.00001; TOPMed 0.00001; ESP Exome Variant Server 0.00008.
gnomAD v4.1: 2 of 1,614,052 alleles (0.00012%); highest among the groups gnomAD compares: African/African-American, 0.0027%; no homozygotes.

Submission:

Labcorp Genetics (formerly Invitae), Labcorp
Classification: Uncertain significance for Parkinson disease 17. Last evaluated: 2022-10-25. Review status: criteria provided, single submitter. Criteria: Invitae Variant Classification Sherloc (09022015). Collection method: clinical testing. Allele origin: germline.
Comment: This sequence change replaces phenylalanine, which is neutral and non-polar, with isoleucine, which is neutral and non-polar, at codon 494 of the VPS35 protein (p.Phe494Ile). This variant is present in population databases (rs141253289, gnomAD 0.01%). This variant has not been reported in the literature in individuals affected with VPS35-related conditions. ClinVar contains an entry for this variant (Variation ID: 838576). Advanced modeling of protein sequence and biophysical properties (such as structural, functional, and spatial information, amino acid conservation, physicochemical variation, residue mobility, and thermodynamic stability) performed at Invitae indicates that this missense variant is not expected to disrupt VPS35 protein function. In summary, the available evidence is currently insufficient to determine the role of this variant in disease. Therefore, it has been classified as a Variant of Uncertain Significance.